The following is an entry in ClinVar:

NM_015450.3(POT1):c.1198A>G (p.Ile400Val)

Gene: POT1 (protection of telomeres 1; minus strand). Cytogenetic location: 7q31.33.
Variant type: single nucleotide variant.
Coding change: c.1198A>G on transcript NM_015450.3 (MANE Select); coding-DNA position 1198, A replaced by G.
Protein change: p.Ile400Val; replaces isoleucine 400 with valine.
Molecular consequence: missense variant. On other transcripts: non-coding transcript variant (3).
Genome position (GRCh38, 1-based): chr7:124,841,144, T>C on the plus strand (A>G on the coding strand, the complement: POT1 is on the minus strand). VCF-style: chr7-124841144-T-C. GRCh37 (hg19) VCF-style: chr7-124481198-T-C.
Other names: c.805A>G, p.Ile269Val (NM_001042594.2); c.1198A>G (NM_015450.2); short protein forms I269V, I400V.
Identifiers: ClinVar variation 1955583 (VCV001955583.6), dbSNP rs1795019001, ClinGen allele CA369067658.
Genomic context (GRCh38, chr7:124,841,144, plus strand): 5'-CATATAATGATGTATTTTGTAGCTTGACATCTGGGGTTTTAGTTGCACCATCCTGAAAAA[T>C]TATATCCAAATCGCCCTCATGTGGAACTTCTTGCCTAAAATTATTGGCAATGAAATGATA-3'
Protein context (NP_056265.2, residues 390-410): EVPHEGDLDI[Ile400Val]FQDGATKTPD

ClinVar aggregate classification (germline): Uncertain significance. Review status: criteria provided, multiple submitters, no conflicts (2 of 4 stars). 2 submissions from 2 submitters: Uncertain significance (2). Last evaluated 2025-06-06.

Conditions:
Tumor predisposition syndrome 3 (TPDS3). Also called: LONG TELOMERE SYNDROME, POT1-RELATED; POT1 Tumor Predisposition; Melanoma, cutaneous malignant, susceptibility to, 10; Glioma susceptibility 9. Identifiers: Orphanet 618, MedGen C4014476, MONDO:0014368, OMIM 615848.
Hereditary cancer-predisposing syndrome. Also called: Hereditary neoplastic syndrome; Neoplastic Syndromes, Hereditary; Tumor predisposition; Hereditary Cancer Syndrome. Identifiers: Orphanet 140162, MedGen C0027672, MeSH D009386, MONDO:0015356.

Allele frequency attached by ClinVar (database versions not stated): gnomAD exomes below 0.00001; gnomAD 0.00001.
gnomAD v4.1: 2 of 1,612,566 alleles (0.00012%); highest among the groups gnomAD compares: African/African-American, 0.0027%; no homozygotes.

Submissions (2):

Ambry Genetics
Classification: Uncertain significance for Hereditary cancer-predisposing syndrome. Last evaluated: 2025-06-06. Review status: criteria provided, single submitter. Criteria: Ambry Variant Classification Scheme 2023. Collection method: clinical testing. Allele origin: germline.
Comment: The p.I400V variant (also known as c.1198A>G), located in coding exon 10 of the POT1 gene, results from an A to G substitution at nucleotide position 1198. The isoleucine at codon 400 is replaced by valine, an amino acid with highly similar properties. This amino acid position is conserved. In addition, this alteration is predicted to be tolerated by in silico analysis. Based on the available evidence, the clinical significance of this variant remains unclear.

Labcorp Genetics (formerly Invitae), Labcorp
Classification: Uncertain significance for Tumor predisposition syndrome 3. Last evaluated: 2025-02-15. Review status: criteria provided, single submitter. Criteria: Invitae Variant Classification Sherloc (09022015). Collection method: clinical testing. Allele origin: germline.
Comment: This sequence change replaces isoleucine, which is neutral and non-polar, with valine, which is neutral and non-polar, at codon 400 of the POT1 protein (p.Ile400Val). This variant is not present in population databases (gnomAD no frequency). This variant has not been reported in the literature in individuals affected with POT1-related conditions. ClinVar contains an entry for this variant (Variation ID: 1955583). Invitae Evidence Modeling of protein sequence and biophysical properties (such as structural, functional, and spatial information, amino acid conservation, physicochemical variation, residue mobility, and thermodynamic stability) indicates that this missense variant is not expected to disrupt POT1 protein function with a negative predictive value of 80%. In summary, the available evidence is currently insufficient to determine the role of this variant in disease. Therefore, it has been classified as a Variant of Uncertain Significance.